The following is an entry in ClinVar:

ClinVar aggregate classification (germline): Uncertain significance (1 of 4 stars; one submission).

gnomAD v4.1: 5 of 1,586,138 alleles (0.00032%); highest among the groups gnomAD compares: African/African-American, 0.0013%; no homozygotes.

Submission:

Labcorp Genetics (formerly Invitae), Labcorp
Classification: Uncertain significance. Last evaluated: 2024-02-06. Review status: criteria provided, single submitter. Criteria: Invitae Variant Classification Sherloc (09022015). Collection method: clinical testing. Allele origin: germline.
Comment: This sequence change replaces proline, which is neutral and non-polar, with glutamine, which is neutral and polar, at codon 30 of the LEMD3 protein (p.Pro30Gln). This variant is not present in population databases (gnomAD no frequency). This variant has not been reported in the literature in individuals affected with LEMD3-related conditions. Advanced modeling of protein sequence and biophysical properties (such as structural, functional, and spatial information, amino acid conservation, physicochemical variation, residue mobility, and thermodynamic stability) performed at Invitae indicates that this missense variant is expected to disrupt LEMD3 protein function with a positive predictive value of 80%. In summary, the available evidence is currently insufficient to determine the role of this variant in disease. Therefore, it has been classified as a Variant of Uncertain Significance.

NM_014319.5(LEMD3):c.89C>A (p.Pro30Gln)

Gene: LEMD3 (LEM domain containing 3; plus strand). Cytogenetic location: 12q14.3.
Variant type: single nucleotide variant.
Coding change: c.89C>A on transcript NM_014319.5 (MANE Select); coding-DNA position 89, C replaced by A.
Protein change: p.Pro30Gln; replaces proline 30 with glutamine.
Molecular consequence: missense variant.
Genome position (GRCh38, 1-based): chr12:65,169,685, C>A. VCF-style: chr12-65169685-C-A. GRCh37 (hg19) VCF-style: chr12-65563465-C-A.
Other names: c.89C>A, p.Pro30Gln (NM_001167614.2); short protein forms P30Q.
Identifiers: ClinVar variation 3695827 (VCV003695827.2).